The following is an entry in ClinVar:

NM_001386795.1(DTNA):c.1847C>T (p.Thr616Met)

Gene: DTNA (dystrobrevin alpha; plus strand). Cytogenetic location: 18q12.1.
Variant type: single nucleotide variant.
Coding change: c.1847C>T on transcript NM_001386795.1 (MANE Select); coding-DNA position 1847, C replaced by T.
Protein change: p.Thr616Met; replaces threonine 616 with methionine.
Molecular consequence: missense variant.
Genome position (GRCh38, 1-based): chr18:34,875,342, C>T. VCF-style: chr18-34875342-C-T. GRCh37 (hg19) VCF-style: chr18-32455306-C-T.
Other names: c.1766C>T (NM_001390.4); c.1586C>T, p.Thr529Met (NM_001198938.2, NM_001198940.2, NM_001386753.1 and 5 more transcripts); c.1607C>T, p.Thr536Met (NM_001198939.2); c.893C>T, p.Thr298Met (NM_001198942.1); c.836C>T, p.Thr279Met (NM_001198943.1); c.722C>T, p.Thr241Met (NM_001198944.1); c.1676C>T, p.Thr559Met (NM_001386754.1, NM_001386755.1, NM_001386756.1 and 3 more transcripts); c.1673C>T, p.Thr558Met (NM_001386760.1); and 6 more; short protein forms T532M, T589M, T237M, T279M, T241M, T529M, T536M, T298M.
Identifiers: ClinVar variation 46419 (VCV000046419.11), dbSNP rs199556035, ClinGen allele CA138306.

ClinVar aggregate classification (germline): Uncertain significance. Review status: criteria provided, multiple submitters, no conflicts (2 of 4 stars). 3 submissions from 3 submitters: Uncertain significance (3). Last evaluated 2025-09-05.

Conditions:
Left ventricular noncompaction 1 (LVNC1). Also called: LEFT VENTRICULAR NONCOMPACTION 1 WITH OR WITHOUT CONGENITAL HEART DEFECTS. Identifiers: Orphanet 54260, MedGen C1858725, MONDO:0011403, OMIM 604169.

Allele frequency attached by ClinVar (database versions not stated): ExAC 0.00005; TOPMed 0.00010; gnomAD 0.00011 and 0.00013; ESP Exome Variant Server 0.00015; 1000 Genomes Project 0.00020; 1000 Genomes Project 30x 0.00031.
gnomAD v4.1: 79 of 1,614,232 alleles (0.0049%); highest among the groups gnomAD compares: African/African-American, 0.025%; no homozygotes.

Submissions (3):

Labcorp Genetics (formerly Invitae), Labcorp
Classification: Uncertain significance for Left ventricular noncompaction 1. Last evaluated: 2025-09-05. Review status: criteria provided, single submitter. Criteria: Invitae Variant Classification Sherloc (09022015). Collection method: clinical testing. Allele origin: germline.
Comment: This sequence change replaces threonine, which is neutral and polar, with methionine, which is neutral and non-polar, at codon 589 of the DTNA protein (p.Thr589Met). This variant is present in population databases (rs199556035, gnomAD 0.02%). This variant has not been reported in the literature in individuals affected with DTNA-related conditions. ClinVar contains an entry for this variant (Variation ID: 46419). An algorithm developed to predict the effect of missense changes on protein structure and function outputs the following: PolyPhen-2: "Benign". The methionine amino acid residue is found in multiple mammalian species, which suggests that this missense change does not adversely affect protein function. In summary, the available evidence is currently insufficient to determine the role of this variant in disease. Therefore, it has been classified as a Variant of Uncertain Significance.

Fulgent Genetics
Classification: Uncertain significance for Left ventricular noncompaction 1. Last evaluated: 2024-05-15. Review status: criteria provided, single submitter. Criteria: ACMG Guidelines, 2015. Collection method: clinical testing. Allele origin: germline.

Laboratory for Molecular Medicine, Mass General Brigham Personalized Medicine
Classification: Uncertain significance. Last evaluated: 2012-03-22. Review status: criteria provided, single submitter. Criteria: LMM Criteria. Collection method: clinical testing. Allele origin: germline. Observed: 1 variant allele.
Comment: The Thr532Met variant in DTNA has been identified in 1/7020 European American ch romosomes and 1/3738 African American chromosomes from a broad population by the NHLBI Exome Sequencing Project. This frequen cy is too low to rule out a pathogenic role. Computational analyses (biochemical amino acid properties, conservation, AlignGVGD, PolyPhen2, and SIFT) do not pro vide strong support for or against an impact to the protein. Additional informat ion is therefore needed to fully assess the clinical significance of this varian t.